The following is an entry in ClinVar:

NM_000238.4(KCNH2):c.1519C>T (p.Pro507Ser)

Gene: KCNH2 (potassium voltage-gated channel subfamily H member 2; minus strand). Cytogenetic location: 7q36.1.
Variant type: single nucleotide variant.
Coding change: c.1519C>T on transcript NM_000238.4 (MANE Select); coding-DNA position 1519, C replaced by T.
Protein change: p.Pro507Ser; replaces proline 507 with serine.
Molecular consequence: missense variant.
Genome position (GRCh38, 1-based): chr7:150,952,463, G>A on the plus strand (C>T on the coding strand, the complement: KCNH2 is on the minus strand). VCF-style: chr7-150952463-G-A. GRCh37 (hg19) VCF-style: chr7-150649551-G-A.
Other names: p.P507S:CCC>TCC; c.499C>T, p.Pro167Ser (NM_001204798.2, NM_172057.3); c.1231C>T, p.Pro411Ser (NM_001406753.1, NM_001406756.1); c.1342C>T, p.Pro448Ser (NM_001406755.1); c.1219C>T, p.Pro407Ser (NM_001406757.1); c.1519C>T, p.Pro507Ser (NM_172056.3); short protein forms P167S, P507S, P448S, P407S, P411S.
Identifiers: ClinVar variation 200350 (VCV000200350.9), dbSNP rs794728371, ClinGen allele CA004754.

ClinVar aggregate classification (germline): Uncertain significance. Review status: criteria provided, multiple submitters, no conflicts (2 of 4 stars). 3 submissions from 3 submitters: Uncertain significance (3). Last evaluated 2024-09-15.

Conditions:
Cardiovascular phenotype. Identifiers: MedGen CN230736.

Submissions (3):

Ambry Genetics
Classification: Uncertain significance for Cardiovascular phenotype. Last evaluated: 2024-09-15. Review status: criteria provided, single submitter. Criteria: Ambry Variant Classification Scheme 2023. Collection method: clinical testing. Allele origin: germline.
Comment: The p.P507S variant (also known as c.1519C>T), located in coding exon 6 of the KCNH2 gene, results from a C to T substitution at nucleotide position 1519. The proline at codon 507 is replaced by serine, an amino acid with similar properties. This alteration has been reported in a primary arrhythmia genetic testing cohort (Walsh R et al. Genet Med, 2021 Jan;23:47-58). This amino acid position is highly conserved in available vertebrate species. In addition, this alteration is predicted to be deleterious by in silico analysis. Based on the available evidence, the clinical significance of this variant remains unclear.

Women's Health and Genetics/Laboratory Corporation of America, LabCorp
Classification: Uncertain significance. Last evaluated: 2024-02-27. Review status: criteria provided, single submitter. Criteria: LabCorp Variant Classification Summary - May 2015. Collection method: clinical testing. Allele origin: germline.
Comment: Variant summary: KCNH2 c.1519C>T (p.Pro507Ser) results in a non-conservative amino acid change located in the Ion transport domain (IPR005821) of the encoded protein sequence. Five of five in-silico tools predict a damaging effect of the variant on protein function. The variant was absent in 251410 control chromosomes. The available data on variant occurrences in the general population are insufficient to allow any conclusion about variant significance. To our knowledge, no occurrence of c.1519C>T in individuals affected with Arrhythmia and no experimental evidence demonstrating its impact on protein function have been reported. ClinVar contains an entry for this variant (Variation ID: 200350). Based on the evidence outlined above, the variant was classified as uncertain significance.

GeneDx
Classification: Uncertain significance. Last evaluated: 2022-11-01. Review status: criteria provided, single submitter. Criteria: GeneDx Variant Classification Process June 2021. Collection method: clinical testing. Allele origin: germline. Affected: yes.
Comment: Not observed at significant frequency in large population cohorts (gnomAD); In silico analysis supports that this missense variant has a deleterious effect on protein structure/function; Has not been previously published as pathogenic or benign to our knowledge

Literature cited by the submitters: PubMed 32893267 (cited by Ambry Genetics).